The following is an entry in ClinVar:

NM_000427.3(LORICRIN):c.400G>A (p.Gly134Ser)

Gene: LORICRIN (loricrin cornified envelope precursor protein; plus strand). Cytogenetic location: 1q21.3.
Variant type: single nucleotide variant.
Coding change: c.400G>A on transcript NM_000427.3 (MANE Select); coding-DNA position 400, G replaced by A.
Protein change: p.Gly134Ser; replaces glycine 134 with serine.
Molecular consequence: missense variant.
Genome position (GRCh38, 1-based): chr1:153,261,349, G>A. VCF-style: chr1-153261349-G-A. GRCh37 (hg19) VCF-style: chr1-153233825-G-A.
Other names: short protein forms G134S.
Identifiers: ClinVar variation 2104996 (VCV002104996.4), dbSNP rs2526493096, ClinGen allele CA342505827.

ClinVar aggregate classification (germline): Uncertain significance (1 of 4 stars; one submission).

Allele frequency attached by ClinVar (database versions not stated): gnomAD exomes below 0.00001.
gnomAD v4.1: 1 of 1,484,140 alleles (0.000067%); highest among the groups gnomAD compares: African/African-American, 0.0015%; no homozygotes.

Submission:

Labcorp Genetics (formerly Invitae), Labcorp
Classification: Uncertain significance. Last evaluated: 2022-07-09. Review status: criteria provided, single submitter. Criteria: Invitae Variant Classification Sherloc (09022015). Collection method: clinical testing. Allele origin: germline.
Comment: This variant has not been reported in the literature in individuals affected with LOR-related conditions. In summary, the available evidence is currently insufficient to determine the role of this variant in disease. Therefore, it has been classified as a Variant of Uncertain Significance. Algorithms developed to predict the effect of missense changes on protein structure and function are either unavailable or do not agree on the potential impact of this missense change (SIFT: "Tolerated"; PolyPhen-2: "Not Available"; Align-GVGD: "Class C0"). This variant is not present in population databases (gnomAD no frequency). This sequence change replaces glycine, which is neutral and non-polar, with serine, which is neutral and polar, at codon 134 of the LOR protein (p.Gly134Ser).